The following is an entry in ClinVar:

NM_000443.4(ABCB4):c.3151G>A (p.Val1051Met)

Gene: ABCB4 (ATP binding cassette subfamily B member 4; minus strand). Cytogenetic location: 7q21.12.
Variant type: single nucleotide variant.
Coding change: c.3151G>A on transcript NM_000443.4 (MANE Select); coding-DNA position 3151, G replaced by A.
Protein change: p.Val1051Met; replaces valine 1051 with methionine.
Molecular consequence: missense variant.
Genome position (GRCh38, 1-based): chr7:87,408,165, C>T on the plus strand (G>A on the coding strand, the complement: ABCB4 is on the minus strand). VCF-style: chr7-87408165-C-T. GRCh37 (hg19) VCF-style: chr7-87037481-C-T.
Other names: c.3151G>A, p.Val1051Met (NM_018849.3); c.3010G>A, p.Val1004Met (NM_018850.3); short protein forms V1004M, V1051M.
Identifiers: ClinVar variation 3347181 (VCV003347181.1).
Genomic context (GRCh38, chr7:87,408,165, plus strand): 5'-TGCTGCCCACCAGGGCTAGTGTCTGGCCTTTCTTCACCTCCAGGCTCAGCCCCTGAAGCA[C>T]TGGCACGTTTGCTCGGGTGGGATAGTTGAACACGACTTCATTAAATGTTATATTTCCTTC-3'
Protein context (NP_000434.1, residues 1041-1061): FNYPTRANVP[Val1051Met]LQGLSLEVKK

ClinVar aggregate classification (germline): Uncertain significance (0 of 4 stars; one submission).

Conditions:
ABCB4-related disorder. Also called: ABCB4-related disorders; ABCB4-related condition.

gnomAD v4.1: 1 of 1,614,210 alleles (0.000062%); highest among the groups gnomAD compares: Non-Finnish European, 0.000085%; no homozygotes.

Submission:

PreventionGenetics, part of Exact Sciences
Classification: Uncertain significance for ABCB4-related condition. Last evaluated: 2024-04-18. Review status: no assertion criteria provided. Collection method: clinical testing. Allele origin: germline.
Comment: The ABCB4 c.3151G>A variant is predicted to result in the amino acid substitution p.Val1051Met. To our knowledge, this variant has not been reported in the literature. This variant is reported in 0.00088% of alleles in individuals of European (Non-Finnish) descent in gnomAD. At this time, the clinical significance of this variant is uncertain due to the absence of conclusive functional and genetic evidence.